The following is an entry in ClinVar:

ClinVar aggregate classification (germline): Uncertain significance (1 of 4 stars; one submission).

gnomAD v4.1: 7 of 1,558,356 alleles (0.00045%); highest among the groups gnomAD compares: Non-Finnish European, 0.00061%; no homozygotes.

Submission:

Labcorp Genetics (formerly Invitae), Labcorp
Classification: Uncertain significance. Last evaluated: 2022-02-04. Review status: criteria provided, single submitter. Criteria: Invitae Variant Classification Sherloc (09022015). Collection method: clinical testing. Allele origin: germline.
Comment: In summary, the available evidence is currently insufficient to determine the role of this variant in disease. Therefore, it has been classified as a Variant of Uncertain Significance. Experimental studies and prediction algorithms are not available or were not evaluated, and the functional significance of this variant is currently unknown. This variant has not been reported in the literature in individuals affected with COL18A1-related conditions. This variant is not present in population databases (gnomAD no frequency). This sequence change replaces proline, which is neutral and non-polar, with serine, which is neutral and polar, at codon 758 of the COL18A1 protein (p.Pro758Ser).

NM_001379500.1(COL18A1):c.2272C>T (p.Pro758Ser)

Gene: COL18A1 (collagen type XVIII alpha 1 chain; plus strand). Cytogenetic location: 21q22.3.
Variant type: single nucleotide variant.
Coding change: c.2272C>T on transcript NM_001379500.1 (MANE Select); coding-DNA position 2272, C replaced by T.
Protein change: p.Pro758Ser; replaces proline 758 with serine.
Molecular consequence: missense variant.
Genome position (GRCh38, 1-based): chr21:45,493,220, C>T. VCF-style: chr21-45493220-C-T. GRCh37 (hg19) VCF-style: chr21-46913134-C-T.
Other names: c.2812C>T, p.Pro938Ser (NM_030582.4); c.3517C>T, p.Pro1173Ser (NM_130444.3); short protein forms P758S, P1173S, P938S.
Identifiers: ClinVar variation 1525261 (VCV001525261.6), dbSNP rs2145993816, ClinGen allele CA410497356.